The following is an entry in ClinVar:

ClinVar aggregate classification (germline): Uncertain significance (1 of 4 stars; one submission).

Conditions:
Hypertrophic cardiomyopathy. Also called: HYPERTROPHIC MYOCARDIOPATHY. Identifiers: Orphanet 217569, MedGen C0007194, MeSH D002312, MONDO:0005045, HP:0001639.

Allele frequency attached by ClinVar (database versions not stated): gnomAD exomes below 0.00001.
gnomAD v4.1: 1 of 1,581,302 alleles (0.000063%); highest among the groups gnomAD compares: Admixed American, 0.0017%; no homozygotes.

Submission:

Labcorp Genetics (formerly Invitae), Labcorp
Classification: Uncertain significance for Hypertrophic cardiomyopathy. Last evaluated: 2025-04-17. Review status: criteria provided, single submitter. Criteria: Invitae Variant Classification Sherloc (09022015). Collection method: clinical testing. Allele origin: germline.
Comment: This sequence change replaces histidine, which is basic and polar, with proline, which is neutral and non-polar, at codon 1185 of the MYH7 protein (p.His1185Pro). This variant is not present in population databases (gnomAD no frequency). This variant has not been reported in the literature in individuals affected with MYH7-related conditions. ClinVar contains an entry for this variant (Variation ID: 2005337). Invitae Evidence Modeling of protein sequence and biophysical properties (such as structural, functional, and spatial information, amino acid conservation, physicochemical variation, residue mobility, and thermodynamic stability) indicates that this missense variant is expected to disrupt MYH7 protein function with a positive predictive value of 95%. In summary, the available evidence is currently insufficient to determine the role of this variant in disease. Therefore, it has been classified as a Variant of Uncertain Significance.

NM_000257.4(MYH7):c.3554A>C (p.His1185Pro)

Gene: MYH7 (myosin heavy chain 7; minus strand). Cytogenetic location: 14q11.2.
Variant type: single nucleotide variant.
Coding change: c.3554A>C on transcript NM_000257.4 (MANE Select); coding-DNA position 3554, A replaced by C.
Protein change: p.His1185Pro; replaces histidine 1185 with proline.
Molecular consequence: missense variant.
Genome position (GRCh38, 1-based): chr14:23,420,017, T>G on the plus strand (A>C on the coding strand, the complement: MYH7 is on the minus strand). VCF-style: chr14-23420017-T-G. GRCh37 (hg19) VCF-style: chr14-23889226-T-G.
Other names: c.3554A>C, p.His1185Pro (NM_001407004.1); short protein forms H1185P.
Identifiers: ClinVar variation 2005337 (VCV002005337.4), dbSNP rs2502264433, ClinGen allele CA389043499.